The following is an entry in ClinVar:

ClinVar aggregate classification (germline): Uncertain significance. Review status: criteria provided, multiple submitters, no conflicts (2 of 4 stars). 2 submissions from 2 submitters: Uncertain significance (2). Last evaluated 2024-12-30.

Conditions:
Autosomal dominant polycystic kidney disease. Identifiers: Orphanet 730, MedGen C0085413, MONDO:0004691.

Submissions (2):

Labcorp Genetics (formerly Invitae), Labcorp
Classification: Uncertain significance for Autosomal dominant polycystic kidney disease. Last evaluated: 2024-12-30. Review status: criteria provided, single submitter. Criteria: Invitae Variant Classification Sherloc (09022015). Collection method: clinical testing. Allele origin: germline.
Comment: This sequence change falls in intron 1 of the PKD2 gene. It does not directly change the encoded amino acid sequence of the PKD2 protein. It affects a nucleotide within the consensus splice site. This variant is not present in population databases (gnomAD no frequency). This variant has been observed in individual(s) with polycystic kidney disease (PMID: 22508176). Variants that disrupt the consensus splice site are a relatively common cause of aberrant splicing (PMID: 17576681, 9536098). Algorithms developed to predict the effect of sequence changes on RNA splicing suggest that this variant may disrupt the consensus splice site. In summary, the available evidence is currently insufficient to determine the role of this variant in disease. Therefore, it has been classified as a Variant of Uncertain Significance.

Women's Health and Genetics/Laboratory Corporation of America, LabCorp
Classification: Uncertain significance. Last evaluated: 2024-05-03. Review status: criteria provided, single submitter. Criteria: LabCorp Variant Classification Summary - May 2015. Collection method: clinical testing. Allele origin: germline.
Comment: Variant summary: PKD2 c.596-3A>G alters a non-conserved nucleotide located close to a canonical splice site and therefore could affect mRNA splicing, leading to a significantly altered protein sequence. Several computational tools predict a significant impact on normal splicing: Two predict the variant weakens a canonical 3' acceptor site. One predicts the variant abolishes this site. Four predict the variant creates a cryptic 3' acceptor site. However, these predictions have yet to be confirmed by functional studies. The variant was absent in 250552 control chromosomes (gnomAD). The available data on variant occurrences in the general population are insufficient to allow any conclusion about variant significance. c.596-3A>G has been reported in the literature in an individual affected with Polycystic Kidney Disease (Audrezet_2012). These data do not allow any conclusion about variant significance. To our knowledge, no experimental evidence demonstrating an impact on protein function has been reported. The following publication has been ascertained in the context of this evaluation (PMID: 22508176). No submitters have cited clinical-significance assessments for this variant to ClinVar. Based on the evidence outlined above, the variant was classified as uncertain significance.

Literature cited by the submitters: PubMed 22508176 (cited by Labcorp Genetics (formerly Invitae), Labcorp and Women's Health and Genetics/Laboratory Corporation of America, LabCorp); PubMed 17576681 (cited by Labcorp Genetics (formerly Invitae), Labcorp); PubMed 9536098 (cited by Labcorp Genetics (formerly Invitae), Labcorp).

NM_000297.4(PKD2):c.596-3A>G

Gene: PKD2 (polycystin 2, transient receptor potential cation channel; plus strand). Cytogenetic location: 4q22.1.
Variant type: single nucleotide variant.
Coding change: c.596-3A>G on transcript NM_000297.4 (MANE Select); 3 bases into the intron before coding-DNA position 596, A replaced by G.
Molecular consequence: intron variant.
Genome position (GRCh38, 1-based): chr4:88,019,455, A>G. VCF-style: chr4-88019455-A-G. GRCh37 (hg19) VCF-style: chr4-88940607-A-G.
Identifiers: ClinVar variation 3336193 (VCV003336193.3).